The following is an entry in ClinVar:

ClinVar aggregate classification (germline): Uncertain significance. Review status: criteria provided, multiple submitters, no conflicts (2 of 4 stars). 2 submissions from 2 submitters: Uncertain significance (2). Last evaluated 2026-04-02.

Conditions:
Alstrom syndrome (ALMS). Identifiers: Orphanet 64, MedGen C0268425, MONDO:0008763, OMIM 203800.

Allele frequency attached by ClinVar (database versions not stated): gnomAD 0.00001; gnomAD exomes 0.00001; TOPMed below 0.00001.
gnomAD v4.1: 14 of 1,614,040 alleles (0.00087%); highest among the groups gnomAD compares: East Asian, 0.0022%; no homozygotes.

Submissions (2):

GeneDx
Classification: Uncertain significance. Last evaluated: 2026-04-02. Review status: criteria provided, single submitter. Criteria: GeneDx Variant Classification Process June 2021. Collection method: clinical testing. Allele origin: germline.
Comment: Not observed at significant frequency in large population cohorts (gnomAD); In silico analysis suggests that this missense variant does not alter protein structure/function; Has not been previously published as pathogenic or benign to our knowledge

Labcorp Genetics (formerly Invitae), Labcorp
Classification: Uncertain significance for Alstrom syndrome. Last evaluated: 2022-01-26. Review status: criteria provided, single submitter. Criteria: Invitae Variant Classification Sherloc (09022015). Collection method: clinical testing. Allele origin: germline.
Comment: This sequence change replaces glutamine, which is neutral and polar, with arginine, which is basic and polar, at codon 1795 of the ALMS1 protein (p.Gln1795Arg). This variant is not present in population databases (gnomAD no frequency). This variant has not been reported in the literature in individuals affected with ALMS1-related conditions. Experimental studies and prediction algorithms are not available or were not evaluated, and the functional significance of this variant is currently unknown. In summary, the available evidence is currently insufficient to determine the role of this variant in disease. Therefore, it has been classified as a Variant of Uncertain Significance.

NM_001378454.1(ALMS1):c.5381A>G (p.Gln1794Arg)

Gene: ALMS1 (ALMS1 centrosome and basal body associated protein; plus strand). Cytogenetic location: 2p13.1.
Variant type: single nucleotide variant.
Coding change: c.5381A>G on transcript NM_001378454.1 (MANE Select); coding-DNA position 5381, A replaced by G.
Protein change: p.Gln1794Arg; replaces glutamine 1794 with arginine.
Molecular consequence: missense variant.
Genome position (GRCh38, 1-based): chr2:73,451,908, A>G. VCF-style: chr2-73451908-A-G. GRCh37 (hg19) VCF-style: chr2-73679035-A-G.
Other names: c.5384A>G, p.Gln1795Arg (NM_015120.4); short protein forms Q1794R, Q1795R.
Identifiers: ClinVar variation 2071365 (VCV002071365.2), dbSNP rs1025710199, ClinGen allele CA50396621.